The following is an entry in ClinVar:

NM_003331.5(TYK2):c.2900A>G (p.Glu967Gly)

Gene: TYK2 (tyrosine kinase 2; minus strand). Cytogenetic location: 19p13.2.
Variant type: single nucleotide variant.
Coding change: c.2900A>G on transcript NM_003331.5 (MANE Select); coding-DNA position 2900, A replaced by G.
Protein change: p.Glu967Gly; replaces glutamic acid 967 with glycine.
Molecular consequence: missense variant.
Genome position (GRCh38, 1-based): chr19:10,354,050, T>C on the plus strand (A>G on the coding strand, the complement: TYK2 is on the minus strand). VCF-style: chr19-10354050-T-C. GRCh37 (hg19) VCF-style: chr19-10464726-T-C.
Other names: c.2900A>G, p.Glu967Gly (NM_001385197.1, NM_001385198.1); c.2714A>G, p.Glu905Gly (NM_001385199.1); c.2897A>G, p.Glu966Gly (NM_001385200.1); c.2702A>G, p.Glu901Gly (NM_001385201.1); c.2816A>G, p.Glu939Gly (NM_001385202.1); c.2981A>G, p.Glu994Gly (NM_001385203.1); c.3110A>G, p.Glu1037Gly (NM_001385204.1); c.2810A>G, p.Glu937Gly (NM_001385205.1); and 2 more; short protein forms E1037G, E901G, E937G, E994G, E967G, E905G, E939G, E925G.
Identifiers: ClinVar variation 1376443 (VCV001376443.6), dbSNP rs2036762184, ClinGen allele CA403987616.

ClinVar aggregate classification (germline): Uncertain significance (1 of 4 stars; one submission).

Conditions:
Immunodeficiency 35 (IMD35). Also called: TYK2 DEFICIENCY; Susceptibility to infection due to TYK2 deficiency; HIES WITH ATYPICAL MYCOBACTERIOSIS, AUTOSOMAL RECESSIVE; HYPER-IgE SYNDROME WITH ATYPICAL MYCOBACTERIOSIS, AUTOSOMAL RECESSIVE. Identifiers: Orphanet 331226, MedGen C1969086, MONDO:0012682, OMIM 611521.

Allele frequency attached by ClinVar (database versions not stated): TOPMed 0.00001.

Submission:

Labcorp Genetics (formerly Invitae), Labcorp
Classification: Uncertain significance for Immunodeficiency 35. Last evaluated: 2021-11-22. Review status: criteria provided, single submitter. Criteria: Invitae Variant Classification Sherloc (09022015). Collection method: clinical testing. Allele origin: germline.
Comment: Algorithms developed to predict the effect of missense changes on protein structure and function are either unavailable or do not agree on the potential impact of this missense change (SIFT: "Not Available"; PolyPhen-2: "Benign"; Align-GVGD: "Not Available"). In summary, the available evidence is currently insufficient to determine the role of this variant in disease. Therefore, it has been classified as a Variant of Uncertain Significance. This sequence change replaces glutamic acid with glycine at codon 967 of the TYK2 protein (p.Glu967Gly). The glutamic acid residue is highly conserved and there is a moderate physicochemical difference between glutamic acid and glycine. This variant is not present in population databases (gnomAD no frequency). This variant has not been reported in the literature in individuals affected with TYK2-related conditions.